The following is an entry in ClinVar:

NM_001103.4(ACTN2):c.1861C>T (p.Arg621Cys)

Gene: ACTN2 (actinin alpha 2; plus strand). Cytogenetic location: 1q43.
Variant type: single nucleotide variant.
Coding change: c.1861C>T on transcript NM_001103.4 (MANE Select); coding-DNA position 1861, C replaced by T.
Protein change: p.Arg621Cys; replaces arginine 621 with cysteine.
Molecular consequence: missense variant.
Genome position (GRCh38, 1-based): chr1:236,753,968, C>T. VCF-style: chr1-236753968-C-T. GRCh37 (hg19) VCF-style: chr1-236917268-C-T.
Other names: c.1861C>T, p.Arg621Cys (NM_001278343.2); c.1237C>T, p.Arg413Cys (NM_001278344.2); short protein forms R621C, R413C.
Identifiers: ClinVar variation 1467366 (VCV001467366.14), dbSNP rs756407851, ClinGen allele CA1473278.

ClinVar aggregate classification (germline): Conflicting classifications of pathogenicity. Review status: criteria provided, conflicting classifications (1 of 4 stars). 3 submissions from 3 submitters: Uncertain significance (2); Likely benign (1). Last evaluated 2025-12-23.

Conditions:
Dilated cardiomyopathy 1AA (CMD1AA). Also called: CARDIOMYOPATHY, DILATED, 1AA, WITH OR WITHOUT LEFT VENTRICULAR NONCOMPACTION; CARDIOMYOPATHY, FAMILIAL HYPERTROPHIC, 23, WITH OR WITHOUT LEFT VENTRICULAR NONCOMPACTION; Cardiomyopathy, dilated, 1AA, with or without LVNC. Identifiers: Orphanet 154, MedGen C2677338, MONDO:0012808, OMIM 612158.
Primary familial hypertrophic cardiomyopathy (HCM). Identifiers: Orphanet 99739, MedGen C0949658, MeSH D024741, MONDO:0024573. Inheritance: Various modes of inheritance.
Cardiovascular phenotype. Identifiers: MedGen CN230736.
ACTN2-related cardiac and skeletal myopathy. Identifiers: MedGen CN379592, MONDO:0700349.

Allele frequency attached by ClinVar (database versions not stated): gnomAD exomes below 0.00001; ExAC 0.00001; TOPMed 0.00001.
gnomAD v4.1: 3 of 1,614,084 alleles (0.00019%); highest among the groups gnomAD compares: South Asian, 0.0011%; no homozygotes.

Submissions (3):

Victorian Clinical Genetics Services, Murdoch Childrens Research Institute
Classification: Uncertain significance for ACTN2-related cardiac and skeletal myopathy. Last evaluated: 2025-12-23. Review status: criteria provided, single submitter. Criteria: ACMG Guidelines, 2015. Collection method: clinical testing. Allele origin: germline. Affected: yes.
Comment: This variant is classified as VUS-3B. Evidence in support of pathogenic classification: Variant is present in gnomAD <0.001 for a dominant condition (v4: 3 heterozygote(s), 0 homozygote(s)); Missense variant predicted to be damaging by in silico tool(s) or highly conserved with a major amino acid change. Additional information: Variant is predicted to result in a missense amino acid change from Arg to Cys; This variant is heterozygous; This gene is associated with autosomal dominant disease; Alternative amino acid change(s) at the same position are present in gnomAD (highest allele count: v4: 37 heterozygote(s), 0 homozygote(s)); Previous reports of pathogenicity for this variant are conflicting. This variant has been classified as likely benign, and as a VUS by clinical laboratories in ClinVar; No published evidence of segregation with disease has been identified for this variant; No published functional evidence has been identified for this variant; Another missense variant(s) comparable to the one identified in this case has conflicting previous evidence for pathogenicity. p.(Arg621His) has been classified as a VUS and likely benign by clinical laboratories in ClinVar; Variant is located in the annotated spectrin repeat domain (DECIPHER); Loss of function is a known mechanism of disease in this gene and is associated with ACTN2-related cardiac and skeletal myopathy (MONDO:0700349) (OMIM, ClinGen). Loss of function has been demonstrated as a disease mechanism associated with missense variants, while dominant negative has also been suggested and associated with an in-frame deletion (PMID: 34802252). Additionally, loss of function is a likely mechanism of disease for null variants; Variants in this gene are known to have variable expressivity (PMID: 36116040); Inheritance information for this variant is not currently available in this individual.

Ambry Genetics
Classification: Uncertain significance for Cardiovascular phenotype. Last evaluated: 2025-07-21. Review status: criteria provided, single submitter. Criteria: Ambry Variant Classification Scheme 2023. Collection method: clinical testing. Allele origin: germline.
Comment: The p.R621C variant (also known as c.1861C>T), located in coding exon 16 of the ACTN2 gene, results from a C to T substitution at nucleotide position 1861. The arginine at codon 621 is replaced by cysteine, an amino acid with highly dissimilar properties. This amino acid position is conserved. In addition, this alteration is predicted to be deleterious by in silico analysis. Since supporting evidence is limited at this time, the clinical significance of this alteration remains unclear.

Labcorp Genetics (formerly Invitae), Labcorp
Classification: Likely benign for Primary familial hypertrophic cardiomyopathy; Dilated cardiomyopathy 1AA. Last evaluated: 2024-04-22. Review status: criteria provided, single submitter. Criteria: Invitae Variant Classification Sherloc (09022015). Collection method: clinical testing. Allele origin: germline.

Literature cited by the submitters: PubMed 36116040 (cited by Victorian Clinical Genetics Services, Murdoch Childrens Research Institute); PubMed 34802252 (cited by Victorian Clinical Genetics Services, Murdoch Childrens Research Institute).